The following is an entry in ClinVar:

NM_001160148.2(DDHD1):c.156C>T (p.Gly52=)

Gene: DDHD1 (DDHD domain containing 1; minus strand). Cytogenetic location: 14q22.1.
Variant type: single nucleotide variant.
Coding change: c.156C>T on transcript NM_001160148.2 (MANE Select); coding-DNA position 156, C replaced by T.
Protein change: p.Gly52=; no amino-acid change (glycine 52 retained).
Molecular consequence: synonymous variant.
Genome position (GRCh38, 1-based): chr14:53,152,943, G>A on the plus strand (C>T on the coding strand, the complement: DDHD1 is on the minus strand). VCF-style: chr14-53152943-G-A. GRCh37 (hg19) VCF-style: chr14-53619661-G-A.
Other names: p.Gly52=; c.156C>T, p.Gly52= (NM_001160147.2, NM_030637.3).
Identifiers: ClinVar variation 415256 (VCV000415256.51), dbSNP rs367621941, ClinGen allele CA7191576.

ClinVar aggregate classification (germline): Conflicting classifications of pathogenicity. Review status: criteria provided, conflicting classifications (1 of 4 stars). 6 submissions from 6 submitters: Uncertain significance (2); Likely benign (4). Last evaluated 2026-05-01.

Conditions:
Hereditary spastic paraplegia. Also called: Familial spastic paraparesis. Identifiers: Orphanet 685, MedGen C0037773, MONDO:0019064. Disease mechanism: loss of function.
Hereditary spastic paraplegia 28. Also called: Spastic paraplegia 28, autosomal recessive. Identifiers: Orphanet 101008, MedGen C1836295, MONDO:0012256, OMIM 609340.

Allele frequency attached by ClinVar (database versions not stated): 1000 Genomes Project 30x 0.00031; ESP Exome Variant Server 0.00054; TOPMed 0.00059; gnomAD exomes 0.00063 and 0.00100; gnomAD 0.00096; ExAC 0.00101.
gnomAD v4.1: 1,560 of 1,596,652 alleles (0.098%); highest among the groups gnomAD compares: Admixed American, 0.13%; no homozygotes.

Submissions (7):

CeGaT Center for Human Genetics Tuebingen
Classification: Likely benign. Last evaluated: 2026-05-01. Review status: criteria provided, single submitter. Criteria: CeGaT Center For Human Genetics Tuebingen Variant Classification Criteria Version 2. Collection method: clinical testing. Allele origin: germline. Affected: yes. Observed: 6 variant alleles.
Comment: DDHD1: BP4, BP7

Labcorp Genetics (formerly Invitae), Labcorp
Classification: Likely benign for Hereditary spastic paraplegia 28. Last evaluated: 2026-01-19. Review status: criteria provided, single submitter. Criteria: Invitae Variant Classification Sherloc (09022015). Collection method: clinical testing. Allele origin: germline.

Greenwood Genetic Center Diagnostic Laboratories, Greenwood Genetic Center
Classification: Uncertain significance. Last evaluated: 2025-03-10. Review status: criteria provided, single submitter. Criteria: ACMG Guidelines, 2015. Collection method: clinical testing. Allele origin: germline.
Comment: BP4

Mayo Clinic Laboratories, Mayo Clinic
Classification: Likely benign. Last evaluated: 2024-08-01. Review status: criteria provided, single submitter. Criteria: ACMG Guidelines, 2015. Collection method: clinical testing. Allele origin: germline. Observed: 3 variant alleles.
Comment: BS1, BP4, BP7

GeneDx
Classification: Likely benign. Last evaluated: 2020-10-20. Review status: criteria provided, single submitter. Criteria: GeneDx Variant Classification Process June 2021. Collection method: clinical testing. Allele origin: germline. Affected: yes.

Genome Diagnostics Laboratory, The Hospital for Sick Children
Classification: Uncertain significance for Hereditary spastic paraplegia. Last evaluated: 2016-12-28. Review status: criteria provided, single submitter. Criteria: ACMG Guidelines, 2015. Collection method: clinical testing. Allele origin: germline. Affected: yes.

Dr. Peter K. Rogan Lab, Western University
No classification provided (evidence only). Condition: Clear cell carcinoma of kidney. Review status: no classification provided. Collection method: in vitro. Allele origin: not applicable. Functional consequence: retained intron. Not counted in ClinVar's aggregate classification.